The following is an entry in ClinVar:

ClinVar aggregate classification (germline): Uncertain significance. Review status: criteria provided, multiple submitters, no conflicts (2 of 4 stars). 7 submissions from 7 submitters: Uncertain significance (7). Last evaluated 2024-11-06.

Conditions:
RYR1-related disorder. Also called: RYR1-related disorders; RYR1-related condition. Identifiers: MedGen CN239331.
Malignant hyperthermia, susceptibility to, 1 (MHS1). Also called: RYR1-Related Malignant Hyperthermia Susceptibility; Anesthesia related hyperthermia; Malignant hyperpyrexia; Fulminating hyperpyrexia; Pharmacogenic myopathy; Malignant hyperthermia suceptibility 1. Identifiers: Orphanet 423, MedGen C2930980, MONDO:0007783, OMIM 145600.

Allele frequency attached by ClinVar (database versions not stated): ExAC 0.00002; gnomAD 0.00003 and 0.00004; gnomAD exomes 0.00003 and 0.00004; TOPMed 0.00003.
gnomAD v4.1: 52 of 1,614,010 alleles (0.0032%); highest among the groups gnomAD compares: Non-Finnish European, 0.0041%; no homozygotes.

Submissions (7):

Labcorp Genetics (formerly Invitae), Labcorp
Classification: Uncertain significance for RYR1-related disorder. Last evaluated: 2024-11-06. Review status: criteria provided, single submitter. Criteria: Invitae Variant Classification Sherloc (09022015). Collection method: clinical testing. Allele origin: germline.
Comment: This sequence change replaces arginine, which is basic and polar, with tryptophan, which is neutral and slightly polar, at codon 1507 of the RYR1 protein (p.Arg1507Trp). This variant is present in population databases (rs752736122, gnomAD 0.008%). This variant has not been reported in the literature in individuals affected with RYR1-related conditions. ClinVar contains an entry for this variant (Variation ID: 659518). Invitae Evidence Modeling of protein sequence and biophysical properties (such as structural, functional, and spatial information, amino acid conservation, physicochemical variation, residue mobility, and thermodynamic stability) indicates that this missense variant is expected to disrupt RYR1 protein function with a positive predictive value of 80%. In summary, the available evidence is currently insufficient to determine the role of this variant in disease. Therefore, it has been classified as a Variant of Uncertain Significance.

All of Us Research Program, National Institutes of Health
Classification: Uncertain significance for Malignant hyperthermia, susceptibility to, 1. Last evaluated: 2024-09-26. Review status: criteria provided, single submitter. Criteria: ACMG Guidelines, 2015. Collection method: clinical testing. Allele origin: germline. Inheritance: Autosomal dominant inheritance. Observed: 14 variant alleles, 14 heterozygotes.
Comment: This missense variant replaces arginine with tryptophan at codon 1507 of the RYR1 protein. Computational prediction suggests that this variant may have deleterious impact on protein structure and function (internally defined REVEL score threshold >= 0.7, PMID: 27666373). To our knowledge, functional studies have not been reported for this variant. This variant has not been reported in individuals affected with RYR1-related disorders in the literature. This variant has not been identified in the general population by the Genome Aggregation Database (gnomAD). The available evidence is insufficient to determine the role of this variant in disease conclusively. Therefore, this variant is classified as a Variant of Uncertain Significance.

This study involves interpretation of variants in research participants for the purpose of population health screening. Participant phenotype was not available at the time of variant classification. Additional details can be found in publication PMID: 35346344, PMCID: PMC8962531

Blueprint Genetics
Classification: Uncertain significance. Last evaluated: 2024-07-30. Review status: criteria provided, single submitter. Criteria: ACMG Guidelines, 2015. Collection method: clinical testing. Allele origin: germline.

Women's Health and Genetics/Laboratory Corporation of America, LabCorp
Classification: Uncertain significance. Last evaluated: 2024-04-18. Review status: criteria provided, single submitter. Criteria: LabCorp Variant Classification Summary - May 2015. Collection method: clinical testing. Allele origin: germline.
Comment: Variant summary: RYR1 c.4519C>T (p.Arg1507Trp) results in a non-conservative amino acid change located in the third B30.2/SPRY domain (IPR001870) of the encoded protein sequence. Four of four in-silico tools predict a damaging effect of the variant on protein function. The variant allele was found at a frequency of 3.6e-05 in 251406 control chromosomes (gnomAD v2.1). The available data on variant occurrences in the general population are insufficient to allow any conclusion about variant significance. To our knowledge, no occurrence of c.4519C>T in individuals affected with Myopathy, RYR1-Associated and no experimental evidence demonstrating its impact on protein function have been reported. ClinVar contains an entry for this variant (Variation ID: 659518). Based on the evidence outlined above, the variant was classified as uncertain significance.

Color Diagnostics, LLC DBA Color Health
Classification: Uncertain significance for Malignant hyperthermia, susceptibility to, 1. Last evaluated: 2024-02-20. Review status: criteria provided, single submitter. Criteria: ACMG Guidelines, 2015. Collection method: clinical testing. Allele origin: germline.
Comment: This missense variant replaces arginine with tryptophan at codon 1507 of the RYR1 protein. Computational prediction suggests that this variant may have deleterious impact on protein structure and function (internally defined REVEL score threshold >= 0.7, PMID: 27666373). To our knowledge, functional studies have not been reported for this variant. This variant has not been reported in individuals affected with RYR1-related disorders in the literature. This variant has not been identified in the general population by the Genome Aggregation Database (gnomAD). The available evidence is insufficient to determine the role of this variant in disease conclusively. Therefore, this variant is classified as a Variant of Uncertain Significance.

GeneDx
Classification: Uncertain significance. Last evaluated: 2023-10-05. Review status: criteria provided, single submitter. Criteria: GeneDx Variant Classification Process June 2021. Collection method: clinical testing. Allele origin: germline. Affected: yes.
Comment: Not observed at significant frequency in large population cohorts (gnomAD); In silico analysis supports that this missense variant has a deleterious effect on protein structure/function; Has not been previously published as pathogenic or benign to our knowledge

PreventionGenetics, part of Exact Sciences
Classification: Uncertain significance for RYR1-related condition. Last evaluated: 2023-03-07. Review status: criteria provided, single submitter. Criteria: ACMG Guidelines, 2015. Collection method: clinical testing. Allele origin: germline.
Comment: The RYR1 c.4519C>T variant is predicted to result in the amino acid substitution p.Arg1507Trp. To our knowledge, this variant has not been reported in the literature. A different amino acid change at this position (c.4520G>A, p.Arg1507Gln) was reported with a second RYR1 variant in an individual with periodic paralysis (Matthews et al 2018. PubMed ID: 29298851). This variant is reported in 0.0080% of alleles in individuals of African descent in gnomAD. At this time, the clinical significance of this variant is uncertain due to the absence of conclusive functional and genetic evidence.

NM_000540.3(RYR1):c.4519C>T (p.Arg1507Trp)

Gene: RYR1 (ryanodine receptor 1; plus strand). Cytogenetic location: 19q13.2.
Variant type: single nucleotide variant.
Coding change: c.4519C>T on transcript NM_000540.3 (MANE Select); coding-DNA position 4519, C replaced by T.
Protein change: p.Arg1507Trp; replaces arginine 1507 with tryptophan.
Molecular consequence: missense variant.
Genome position (GRCh38, 1-based): chr19:38,478,499, C>T. VCF-style: chr19-38478499-C-T. GRCh37 (hg19) VCF-style: chr19-38969139-C-T.
Other names: c.4519C>T, p.Arg1507Trp (NM_001042723.2); short protein forms R1507W.
Identifiers: ClinVar variation 659518 (VCV000659518.15), dbSNP rs752736122, ClinGen allele CA066174.